The following is an entry in ClinVar:

NM_020778.5(ALPK3):c.3506T>C (p.Leu1169Pro)

Gene: ALPK3 (alpha kinase 3; plus strand). Cytogenetic location: 15q25.3.
Variant type: single nucleotide variant.
Coding change: c.3506T>C on transcript NM_020778.5 (MANE Select); coding-DNA position 3506, T replaced by C.
Protein change: p.Leu1169Pro; replaces leucine 1169 with proline.
Molecular consequence: missense variant.
Genome position (GRCh38, 1-based): chr15:84,858,244, T>C. VCF-style: chr15-84858244-T-C. GRCh37 (hg19) VCF-style: chr15-85401475-T-C.
Other names: short protein forms L1169P.
Identifiers: ClinVar variation 2799491 (VCV002799491.3), dbSNP rs2505722174, ClinGen allele CA393360398.

ClinVar aggregate classification (germline): Uncertain significance (1 of 4 stars; one submission).

Submission:

Labcorp Genetics (formerly Invitae), Labcorp
Classification: Uncertain significance. Last evaluated: 2023-04-16. Review status: criteria provided, single submitter. Criteria: Invitae Variant Classification Sherloc (09022015). Collection method: clinical testing. Allele origin: germline.
Comment: In summary, the available evidence is currently insufficient to determine the role of this variant in disease. Therefore, it has been classified as a Variant of Uncertain Significance. An algorithm developed to predict the effect of missense changes on protein structure and function (PolyPhen-2) suggests that this variant is likely to be disruptive. This variant has not been reported in the literature in individuals affected with ALPK3-related conditions. This variant is not present in population databases (gnomAD no frequency). This sequence change replaces leucine, which is neutral and non-polar, with proline, which is neutral and non-polar, at codon 1371 of the ALPK3 protein (p.Leu1371Pro).